The following is an entry in ClinVar:

NM_000381.4(MID1):c.101C>A (p.Ala34Asp)

Gene: MID1 (midline 1; minus strand). Cytogenetic location: Xp22.2.
Variant type: single nucleotide variant.
Coding change: c.101C>A on transcript NM_000381.4 (MANE Select); coding-DNA position 101, C replaced by A.
Protein change: p.Ala34Asp; replaces alanine 34 with aspartic acid.
Molecular consequence: missense variant.
Genome position (GRCh38, 1-based): chrX:10,567,447, G>T on the plus strand (C>A on the coding strand, the complement: MID1 is on the minus strand). VCF-style: chrX-10567447-G-T. GRCh37 (hg19) VCF-style: chrX-10535487-G-T.
Other names: c.101C>A, p.Ala34Asp (NM_001098624.2, NM_001193277.1, NM_001193278.1 and 5 more transcripts); short protein forms A34D.
Identifiers: ClinVar variation 2630627 (VCV002630627.1), dbSNP rs1366033152, ClinGen allele CA412049115.

ClinVar aggregate classification (germline): Uncertain significance (1 of 4 stars; one submission).

Conditions:
MID1-related disorder. Also called: MID1-related condition.

Submission:

PreventionGenetics, part of Exact Sciences
Classification: Uncertain significance for MID1-related condition. Last evaluated: 2023-01-23. Review status: criteria provided, single submitter. Criteria: ACMG Guidelines, 2015. Collection method: clinical testing. Allele origin: germline.
Comment: The MID1 c.101C>A variant is predicted to result in the amino acid substitution p.Ala34Asp. To our knowledge, this variant has not been reported in the literature or in a large population database, indicating this variant is rare. At this time, the clinical significance of this variant is uncertain due to the absence of conclusive functional and genetic evidence.